The following is an entry in ClinVar:

ClinVar aggregate classification (germline): Uncertain significance. Review status: criteria provided, multiple submitters, no conflicts (2 of 4 stars). 3 submissions from 3 submitters: Uncertain significance (2). 1 of the submissions does not count toward it. Last evaluated 2024-09-05.

Conditions:
Optic atrophy. Identifiers: MedGen C0029124, MONDO:0003608, HP:0000648.

Allele frequency attached by ClinVar (database versions not stated): gnomAD 0.00006 and 0.00007; ExAC 0.00007; gnomAD exomes 0.00008; TOPMed 0.00009.
gnomAD v4.1: 82 of 1,609,980 alleles (0.0051%); highest among the groups gnomAD compares: South Asian, 0.0011%; no homozygotes.

Submissions (3):

Blueprint Genetics
Classification: Uncertain significance. Last evaluated: 2024-09-05. Review status: criteria provided, single submitter. Criteria: ACMG Guidelines, 2015. Collection method: clinical testing. Allele origin: germline.

Labcorp Genetics (formerly Invitae), Labcorp
Classification: Uncertain significance. Last evaluated: 2024-06-03. Review status: criteria provided, single submitter. Criteria: Invitae Variant Classification Sherloc (09022015). Collection method: clinical testing. Allele origin: germline.
Comment: This sequence change replaces threonine, which is neutral and polar, with arginine, which is basic and polar, at codon 660 of the PDE6C protein (p.Thr660Arg). This variant is present in population databases (rs767703174, gnomAD 0.2%). This variant has not been reported in the literature in individuals affected with PDE6C-related conditions. ClinVar contains an entry for this variant (Variation ID: 841781). Advanced modeling of protein sequence and biophysical properties (such as structural, functional, and spatial information, amino acid conservation, physicochemical variation, residue mobility, and thermodynamic stability) performed at Invitae indicates that this missense variant is not expected to disrupt PDE6C protein function with a negative predictive value of 80%. In summary, the available evidence is currently insufficient to determine the role of this variant in disease. Therefore, it has been classified as a Variant of Uncertain Significance.

Institute of Human Genetics, Univ. Regensburg, Univ. Regensburg
Classification: Uncertain significance for Optic atrophy. Last evaluated: 2022-01-01. Review status: no assertion criteria provided. Criteria: ACMG Guidelines, 2015. Collection method: clinical testing. Allele origin: germline. Affected: yes. Not counted in ClinVar's aggregate classification.

NM_006204.4(PDE6C):c.1979C>G (p.Thr660Arg)

Gene: PDE6C (phosphodiesterase 6C; plus strand). Cytogenetic location: 10q23.33.
Variant type: single nucleotide variant.
Coding change: c.1979C>G on transcript NM_006204.4 (MANE Select); coding-DNA position 1979, C replaced by G.
Protein change: p.Thr660Arg; replaces threonine 660 with arginine.
Molecular consequence: missense variant.
Genome position (GRCh38, 1-based): chr10:93,655,803, C>G. VCF-style: chr10-93655803-C-G. GRCh37 (hg19) VCF-style: chr10-95415560-C-G.
Other names: short protein forms T660R.
Identifiers: ClinVar variation 841781 (VCV000841781.10), dbSNP rs767703174, ClinGen allele CA5610359.
Genomic context (GRCh38, chr10:93,655,803, plus strand): 5'-GAATTTTCATCTTACAGAGTTTAAACATCTTCCAGAACCTAAATAAGCGGCAGTTTGAAA[C>G]AGTTATTCATTTGTTCGAGGTCGCAATAATAGCAACTGACCTGGCTTTATATTTCAAGTA-3'
Protein context (NP_006195.3, residues 650-670): FQNLNKRQFE[Thr660Arg]VIHLFEVAII